The following is an entry in ClinVar:

NM_001563.4(IMPG1):c.5A>G (p.Tyr2Cys)

Gene: IMPG1 (interphotoreceptor matrix proteoglycan 1; minus strand). Cytogenetic location: 6q14.1.
Variant type: single nucleotide variant.
Coding change: c.5A>G on transcript NM_001563.4 (MANE Select); coding-DNA position 5, A replaced by G.
Protein change: p.Tyr2Cys; replaces tyrosine 2 with cysteine.
Molecular consequence: missense variant.
Genome position (GRCh38, 1-based): chr6:76,072,484, T>C on the plus strand (A>G on the coding strand, the complement: IMPG1 is on the minus strand). VCF-style: chr6-76072484-T-C. GRCh37 (hg19) VCF-style: chr6-76782201-T-C.
Other names: c.5A>G, p.Tyr2Cys (NM_001282368.2); short protein forms Y2C.
Identifiers: ClinVar variation 943365 (VCV000943365.9), dbSNP rs1784417864, ClinGen allele CA364830809.

ClinVar aggregate classification (germline): Uncertain significance (1 of 4 stars; one submission).

Allele frequency attached by ClinVar (database versions not stated): gnomAD exomes below 0.00001.
gnomAD v4.1: 1 of 1,590,720 alleles (0.000063%); highest among the groups gnomAD compares: Non-Finnish European, 0.000086%; no homozygotes.

Submission:

Labcorp Genetics (formerly Invitae), Labcorp
Classification: Uncertain significance. Last evaluated: 2022-03-03. Review status: criteria provided, single submitter. Criteria: Invitae Variant Classification Sherloc (09022015). Collection method: clinical testing. Allele origin: germline.
Comment: This sequence change replaces tyrosine, which is neutral and polar, with cysteine, which is neutral and slightly polar, at codon 2 of the IMPG1 protein (p.Tyr2Cys). This variant is not present in population databases (gnomAD no frequency). This variant has not been reported in the literature in individuals affected with IMPG1-related conditions. ClinVar contains an entry for this variant (Variation ID: 943365). Algorithms developed to predict the effect of missense changes on protein structure and function are either unavailable or do not agree on the potential impact of this missense change (SIFT: "Tolerated"; PolyPhen-2: "Possibly Damaging"; Align-GVGD: "Class C0"). In summary, the available evidence is currently insufficient to determine the role of this variant in disease. Therefore, it has been classified as a Variant of Uncertain Significance.